The following is an entry in ClinVar:

NM_000059.4(BRCA2):c.2467G>A (p.Ala823Thr)

Gene: BRCA2 (BRCA2 DNA repair associated; plus strand). Cytogenetic location: 13q13.1.
Variant type: single nucleotide variant.
Coding change: c.2467G>A on transcript NM_000059.4 (MANE Select); coding-DNA position 2467, G replaced by A.
Protein change: p.Ala823Thr; replaces alanine 823 with threonine.
Molecular consequence: missense variant.
Genome position (GRCh38, 1-based): chr13:32,336,822, G>A. VCF-style: chr13-32336822-G-A. GRCh37 (hg19) VCF-style: chr13-32910959-G-A.
Other names: short protein forms A823T.
Identifiers: ClinVar variation 231686 (VCV000231686.8), dbSNP rs876659299, ClinGen allele CA10579536.
Genomic context (GRCh38, chr13:32,336,822, plus strand): 5'-TATGAATCTGATGTTGAATTAACCAAAAATATTCCCATGGAAAAGAATCAAGATGTATGT[G>A]CTTTAAATGAAAATTATAAAAACGTTGAGCTGTTGCCACCTGAAAAATACATGAGAGTAG-3'
Protein context (NP_000050.3, residues 813-833): IPMEKNQDVC[Ala823Thr]LNENYKNVEL

ClinVar aggregate classification (germline): Conflicting classifications of pathogenicity. Review status: criteria provided, conflicting classifications (1 of 4 stars). 3 submissions from 3 submitters: Uncertain significance (2); Likely benign (1). Last evaluated 2023-06-28.

Conditions:
Hereditary cancer-predisposing syndrome. Also called: Hereditary Cancer Syndrome; Neoplastic Syndromes, Hereditary; Tumor predisposition; Hereditary neoplastic syndrome. Identifiers: Orphanet 140162, MedGen C0027672, MeSH D009386, MONDO:0015356.
Breast-ovarian cancer, familial, susceptibility to, 2 (BROVCA2). Also called: BRCA2 Hereditary Breast and Ovarian Cancer. Identifiers: Orphanet 145, MedGen C2675520, MONDO:0012933, OMIM 612555. Disease mechanism: loss of function.

Allele frequency attached by ClinVar (database versions not stated): TOPMed below 0.00001.
gnomAD v4.1: 1 of 1,603,364 alleles (0.000062%); highest among the groups gnomAD compares: Non-Finnish European, 0.000085%; no homozygotes.

Submissions (3):

All of Us Research Program, National Institutes of Health
Classification: Uncertain significance for Breast-ovarian cancer, familial, susceptibility to, 2. Last evaluated: 2023-06-28. Review status: criteria provided, single submitter. Criteria: ACMG Guidelines, 2015. Collection method: clinical testing. Allele origin: germline. Inheritance: Autosomal dominant inheritance. Observed: 1 variant allele, 1 heterozygote.
Comment: This study involves interpretation of variants in research participants for the purpose of population health screening. Participant phenotype was not available at the time of variant classification. Additional details can be found in publication PMID: 35346344, PMCID: PMC8962531

University of Washington Department of Laboratory Medicine, University of Washington
Classification: Likely benign for Hereditary cancer-predisposing syndrome. Last evaluated: 2023-03-23. Review status: criteria provided, single submitter. Criteria: Dines et al. (Genet Med. 2020). Collection method: curation. Allele origin: germline.
Comment: Missense variant in a coldspot region where missense variants are very unlikely to be pathogenic (PMID:31911673).

BRCA2 exon 11 coldspot. Reclassification based on statistical prior probability.

Ambry Genetics
Classification: Uncertain significance for Hereditary cancer-predisposing syndrome. Last evaluated: 2021-06-23. Review status: criteria provided, single submitter. Criteria: Ambry Variant Classification Scheme 2023. Collection method: clinical testing. Allele origin: germline.
Comment: The p.A823T variant (also known as c.2467G>A), located in coding exon 10 of the BRCA2 gene, results from a G to A substitution at nucleotide position 2467. The alanine at codon 823 is replaced by threonine, an amino acid with similar properties. This alteration was observed in 1 of 11241 female controls of Japanese ancestry but was not observed in 7051 unselected female breast cancer patients, unselected male breast cancer patients, or 12490 male controls of Japanese ancestry (Momozawa Y et al. Nat Commun, 2018 10;9:4083). This amino acid position is poorly conserved in available vertebrate species. In addition, this alteration is predicted to be tolerated by in silico analysis. Since supporting evidence is limited at this time, the clinical significance of this alteration remains unclear.

Literature cited by the submitters: PubMed 30287823 (cited by Ambry Genetics).